The following is an entry in ClinVar:

ClinVar aggregate classification (germline): Likely benign (1 of 4 stars; one submission).

Conditions:
Atypical hemolytic-uremic syndrome. Identifiers: Orphanet 2134, MedGen C2931788, MONDO:0016244.
Age related macular degeneration 4. Identifiers: MedGen C1853147, MONDO:0012540, OMIM 610698.
Basal laminar drusen. Also called: DRUSEN OF BRUCH MEMBRANE; DRUSEN, CUTICULAR; DRUSEN, EARLY ADULT-ONSET, GROUPED. Identifiers: Orphanet 75376, MedGen C0730295, MONDO:0007472, OMIM 126700.
Factor H deficiency (CFHD). Also called: COMPLEMENT FACTOR H DEFICIENCY; CFH DEFICIENCY. Identifiers: Orphanet 200421, MedGen C0398777, MONDO:0012350, OMIM 609814.

gnomAD v4.1: 111 of 152,112 alleles (0.073%); highest among the groups gnomAD compares: East Asian, 2.1%; 1 homozygote.

Submission:

Genomenon, Inc
Classification: Likely benign for Age related macular degeneration 4; Atypical hemolytic-uremic syndrome; Factor H deficiency; Basal laminar drusen. Last evaluated: 2026-09-17. Review status: criteria provided, single submitter. Criteria: Genomenon Sequence Variant Interpretation Standards - Updated. Collection method: curation. Allele origin: germline. Affected: no.
Comment: CFH c.1519+168A>G is an intronic variant located in intron 10. This variant has been reported in the published literature (PMID: 18421087). This variant is not predicted to impact splicing. This variant's allele frequency in gnomAD is greater than expected for this disorder. In conclusion, we classify CFH c.1519+168A>G as a likely benign variant.

Literature cited by the submitters: PubMed 18421087.

NM_000186.4(CFH):c.1519+168A>G

Gene: CFH (complement factor H; plus strand). Cytogenetic location: 1q31.3.
Variant type: single nucleotide variant.
Coding change: c.1519+168A>G on transcript NM_000186.4 (MANE Select); 168 bases into the intron after coding-DNA position 1519, A replaced by G.
Molecular consequence: intron variant.
Genome position (GRCh38, 1-based): chr1:196,714,085, A>G. VCF-style: chr1-196714085-A-G. GRCh37 (hg19) VCF-style: chr1-196683215-A-G.
Identifiers: ClinVar variation 4291397 (VCV004291397.2).